The following is an entry in ClinVar:

NM_000342.4(SLC4A1):c.569_579del (p.Pro190fs)

Gene: SLC4A1 (solute carrier family 4 member 1 (Diego blood group); minus strand). Cytogenetic location: 17q21.31.
Variant type: Deletion.
Coding change: c.569_579del on transcript NM_000342.4 (MANE Select); coding-DNA positions 569 to 579, 11 bases deleted (CCCAACACTCC).
Protein change: p.Pro190fs; shifts the reading frame from proline 190.
Molecular consequence: frameshift variant.
Genome position (GRCh38, 1-based): chr17:44,259,839-44,259,849, GGAGTGTTGGG deleted on the plus strand (CCCAACACTCC on the coding strand, the reverse complement: SLC4A1 is on the minus strand); deleting any 11 consecutive bases within chr17:44,259,839-44,259,853 gives the same sequence; the c. name uses the placement nearest the transcript's 3' end. VCF-style (leftmost placement, unchanged base first): chr17-44259838-AGGAGTGTTGGG-A. GRCh37 (hg19) VCF-style: chr17-42337206-AGGAGTGTTGGG-A.
Other names: short protein forms P190fs.
Identifiers: ClinVar variation 373108 (VCV000373108.2), dbSNP rs1057518222, ClinGen allele CA16043121.

ClinVar aggregate classification (germline): Pathogenic (1 of 4 stars; one submission).

Submission:

GeneDx
Classification: Pathogenic. Last evaluated: 2016-11-01. Review status: criteria provided, single submitter. Criteria: GeneDx Variant Classification (06012015). Collection method: clinical testing. Allele origin: germline. Affected: yes.
Comment: The c.569_579del11 variant in the SLC4A1 gene has not been reported previously as a pathogenic variant nor as a benign variant, to our knowledge. The c.569_579del11 variant causes a frameshift starting with codon Proline 190, changes this amino acid to a Leucine residue, and creates a premature Stop codon at position 9 of the new reading frame, denoted p.Pro190LeufsX9. This variant is predicted to cause loss of normal protein function either through protein truncation or nonsense-mediated mRNA decay. The c.569_579del11 variant was not observed in approximately 6,500 individuals of European and African American ancestry in the NHLBI Exome Sequencing Project, indicating it is not a common benign variant in these populations. We interpret c.569_579del11 as a pathogenic variant.